The following is an entry in ClinVar:

NM_002439.5(MSH3):c.1475T>G (p.Ile492Ser)

Gene: MSH3 (mutS homolog 3; plus strand). Cytogenetic location: 5q14.1.
Variant type: single nucleotide variant.
Coding change: c.1475T>G on transcript NM_002439.5 (MANE Select); coding-DNA position 1475, T replaced by G.
Protein change: p.Ile492Ser; replaces isoleucine 492 with serine.
Molecular consequence: missense variant.
Genome position (GRCh38, 1-based): chr5:80,728,872, T>G. VCF-style: chr5-80728872-T-G. GRCh37 (hg19) VCF-style: chr5-80024691-T-G.
Other names: c.1475T>G (NM_002439.3); short protein forms I492S.
Identifiers: ClinVar variation 1018625 (VCV001018625.9), dbSNP rs1743352716, ClinGen allele CA360274185.

ClinVar aggregate classification (germline): Uncertain significance. Review status: criteria provided, multiple submitters, no conflicts (2 of 4 stars). 2 submissions from 2 submitters: Uncertain significance (2). Last evaluated 2023-12-20.

Conditions:
Hereditary cancer-predisposing syndrome. Also called: Tumor predisposition; Neoplastic Syndromes, Hereditary; Hereditary neoplastic syndrome; Hereditary Cancer Syndrome. Identifiers: Orphanet 140162, MedGen C0027672, MeSH D009386, MONDO:0015356.

Submissions (2):

Ambry Genetics
Classification: Uncertain significance for Hereditary cancer-predisposing syndrome. Last evaluated: 2023-12-20. Review status: criteria provided, single submitter. Criteria: Ambry Variant Classification Scheme 2023. Collection method: clinical testing. Allele origin: germline.
Comment: The p.I492S variant (also known as c.1475T>G), located in coding exon 10 of the MSH3 gene, results from a T to G substitution at nucleotide position 1475. The isoleucine at codon 492 is replaced by serine, an amino acid with dissimilar properties. This amino acid position is conserved. In addition, the in silico prediction for this alteration is inconclusive. Since supporting evidence is limited at this time, the clinical significance of this alteration remains unclear.

Labcorp Genetics (formerly Invitae), Labcorp
Classification: Uncertain significance. Last evaluated: 2023-03-29. Review status: criteria provided, single submitter. Criteria: Invitae Variant Classification Sherloc (09022015). Collection method: clinical testing. Allele origin: germline.
Comment: In summary, the available evidence is currently insufficient to determine the role of this variant in disease. Therefore, it has been classified as a Variant of Uncertain Significance. An algorithm developed to predict the effect of missense changes on protein structure and function (PolyPhen-2) suggests that this variant is likely to be disruptive. ClinVar contains an entry for this variant (Variation ID: 1018625). This variant has not been reported in the literature in individuals affected with MSH3-related conditions. This variant is not present in population databases (gnomAD no frequency). This sequence change replaces isoleucine, which is neutral and non-polar, with serine, which is neutral and polar, at codon 492 of the MSH3 protein (p.Ile492Ser).